The following is an entry in ClinVar:

NM_006767.4(LZTR1):c.2046G>C (p.Lys682Asn)

Gene: LZTR1 (leucine zipper like post translational regulator 1; plus strand). Cytogenetic location: 22q11.21.
Variant type: single nucleotide variant.
Coding change: c.2046G>C on transcript NM_006767.4 (MANE Select); coding-DNA position 2046, G replaced by C.
Protein change: p.Lys682Asn; replaces lysine 682 with asparagine.
Molecular consequence: missense variant.
Genome position (GRCh38, 1-based): chr22:20,995,849, G>C. VCF-style: chr22-20995849-G-C. GRCh37 (hg19) VCF-style: chr22-21350138-G-C.
Other names: short protein forms K682N.
Identifiers: ClinVar variation 2447725 (VCV002447725.4), dbSNP rs777570660, ClinGen allele CA10119207.

ClinVar aggregate classification (germline): Uncertain significance. Review status: criteria provided, multiple submitters, no conflicts (2 of 4 stars). 2 submissions from 2 submitters: Uncertain significance (2). Last evaluated 2024-10-30.

Conditions:
Cardiovascular phenotype. Identifiers: MedGen CN230736.
Hereditary cancer-predisposing syndrome. Also called: Neoplastic Syndromes, Hereditary; Hereditary Cancer Syndrome; Tumor predisposition; Hereditary neoplastic syndrome. Identifiers: Orphanet 140162, MedGen C0027672, MeSH D009386, MONDO:0015356.

Allele frequency attached by ClinVar (database versions not stated): gnomAD exomes below 0.00001; ExAC 0.00001.
gnomAD v4.1: 2 of 1,613,118 alleles (0.00012%); highest among the groups gnomAD compares: Non-Finnish European, 0.00017%; no homozygotes.

Submissions (2):

Labcorp Genetics (formerly Invitae), Labcorp
Classification: Uncertain significance. Last evaluated: 2024-10-30. Review status: criteria provided, single submitter. Criteria: Invitae Variant Classification Sherloc (09022015). Collection method: clinical testing. Allele origin: germline.
Comment: This sequence change replaces lysine, which is basic and polar, with asparagine, which is neutral and polar, at codon 682 of the LZTR1 protein (p.Lys682Asn). This variant is present in population databases (rs777570660, gnomAD 0.0009%). This variant has not been reported in the literature in individuals affected with LZTR1-related conditions. ClinVar contains an entry for this variant (Variation ID: 2447725). Invitae Evidence Modeling of protein sequence and biophysical properties (such as structural, functional, and spatial information, amino acid conservation, physicochemical variation, residue mobility, and thermodynamic stability) indicates that this missense variant is not expected to disrupt LZTR1 protein function with a negative predictive value of 80%. In summary, the available evidence is currently insufficient to determine the role of this variant in disease. Therefore, it has been classified as a Variant of Uncertain Significance.

Ambry Genetics
Classification: Uncertain significance for Cardiovascular phenotype; Hereditary cancer-predisposing syndrome. Last evaluated: 2022-12-29. Review status: criteria provided, single submitter. Criteria: Ambry Variant Classification Scheme 2023. Collection method: clinical testing. Allele origin: germline.
Comment: The p.K682N variant (also known as c.2046G>C), located in coding exon 17 of the LZTR1 gene, results from a G to C substitution at nucleotide position 2046. The lysine at codon 682 is replaced by asparagine, an amino acid with similar properties. This amino acid position is conserved. In addition, the in silico prediction for this alteration is inconclusive. Since supporting evidence is limited at this time, the clinical significance of this alteration remains unclear.